The following is an entry in ClinVar:

ClinVar aggregate classification (germline): Uncertain significance. Review status: criteria provided, multiple submitters, no conflicts (2 of 4 stars). 2 submissions from 2 submitters: Uncertain significance (2). Last evaluated 2025-11-05.

Conditions:
Inborn genetic diseases. Identifiers: MedGen C0950123, MeSH D030342.
Mucopolysaccharidosis, MPS-IV-A (MPS4A). Also called: Morquio syndrome A, mild; MORQUIO SYNDROME A; GALACTOSAMINE-6-SULFATASE DEFICIENCY; GALNS DEFICIENCY; MORQUIO A DISEASE; Mucopolysaccharidosis type IV A. Identifiers: Orphanet 309297, Orphanet 582, MedGen C0086651, MONDO:0009659, OMIM 253000.

Allele frequency attached by ClinVar (database versions not stated): ExAC 0.00002; gnomAD exomes 0.00002; gnomAD 0.00001; TOPMed 0.00001.

Submissions (2):

Ambry Genetics
Classification: Uncertain significance for Inborn genetic diseases. Last evaluated: 2025-11-05. Review status: criteria provided, single submitter. Criteria: Ambry Variant Classification Scheme 2023. Collection method: clinical testing. Allele origin: germline.

Labcorp Genetics (formerly Invitae), Labcorp
Classification: Uncertain significance for Mucopolysaccharidosis, MPS-IV-A. Last evaluated: 2024-11-19. Review status: criteria provided, single submitter. Criteria: Invitae Variant Classification Sherloc (09022015). Collection method: clinical testing. Allele origin: germline.
Comment: This sequence change replaces glycine, which is neutral and non-polar, with serine, which is neutral and polar, at codon 132 of the GALNS protein (p.Gly132Ser). This variant is present in population databases (rs766859208, gnomAD 0.006%). This variant has not been reported in the literature in individuals affected with GALNS-related conditions. ClinVar contains an entry for this variant (Variation ID: 1402484). Invitae Evidence Modeling of protein sequence and biophysical properties (such as structural, functional, and spatial information, amino acid conservation, physicochemical variation, residue mobility, and thermodynamic stability) indicates that this missense variant is expected to disrupt GALNS protein function with a positive predictive value of 95%. In summary, the available evidence is currently insufficient to determine the role of this variant in disease. Therefore, it has been classified as a Variant of Uncertain Significance.

NM_000512.5(GALNS):c.394G>A (p.Gly132Ser)

Gene: GALNS (galactosamine (N-acetyl)-6-sulfatase; minus strand). Cytogenetic location: 16q24.3.
Variant type: single nucleotide variant.
Coding change: c.394G>A on transcript NM_000512.5 (MANE Select); coding-DNA position 394, G replaced by A.
Protein change: p.Gly132Ser; replaces glycine 132 with serine.
Molecular consequence: missense variant. On other transcripts: 5 prime UTR variant (1).
Genome position (GRCh38, 1-based): chr16:88,841,020, C>T on the plus strand (G>A on the coding strand, the complement: GALNS is on the minus strand). VCF-style: chr16-88841020-C-T. GRCh37 (hg19) VCF-style: chr16-88907428-C-T.
Other names: c.394G>A (NM_000512.4); c.-162G>A (NM_001323543.2); c.412G>A, p.Gly138Ser (NM_001323544.2); short protein forms G138S, G132S.
Identifiers: ClinVar variation 1402484 (VCV001402484.5), dbSNP rs766859208, ClinGen allele CA8235176.